The following is an entry in ClinVar:

NM_002292.4(LAMB2):c.4139A>G (p.Asn1380Ser)

Gene: LAMB2 (laminin subunit beta 2; minus strand). Cytogenetic location: 3p21.31.
Variant type: single nucleotide variant.
Coding change: c.4139A>G on transcript NM_002292.4 (MANE Select); coding-DNA position 4139, A replaced by G.
Protein change: p.Asn1380Ser; replaces asparagine 1380 with serine.
Molecular consequence: missense variant.
Genome position (GRCh38, 1-based): chr3:49,123,217, T>C on the plus strand (A>G on the coding strand, the complement: LAMB2 is on the minus strand). VCF-style: chr3-49123217-T-C. GRCh37 (hg19) VCF-style: chr3-49160650-T-C.
Other names: short protein forms N1380S.
Identifiers: ClinVar variation 1498275 (VCV001498275.6), dbSNP rs372463037, ClinGen allele CA2393864.

ClinVar aggregate classification (germline): Uncertain significance (1 of 4 stars; one submission).

Conditions:
Pierson syndrome. Also called: MICROCORIA-CONGENITAL NEPHROTIC SYNDROME. Identifiers: Orphanet 2670, MedGen C1836876, MONDO:0012184, OMIM 609049.
LAMB2-related infantile-onset nephrotic syndrome. Also called: Nephrotic Syndrome, type 5; NEPHROTIC SYNDROME, TYPE 5, WITHOUT OCULAR ABNORMALITIES; NEPHROTIC SYNDROME, TYPE 5, WITH OCULAR ABNORMALITIES. Identifiers: Orphanet 306507, MedGen C3280113, MONDO:0013621, OMIM 614199.

Allele frequency attached by ClinVar (database versions not stated): gnomAD 0.00001; gnomAD exomes 0.00001 and 0.00002; TOPMed 0.00001; ExAC 0.00002; ESP Exome Variant Server 0.00008.
gnomAD v4.1: 13 of 1,613,898 alleles (0.00081%); highest among the groups gnomAD compares: South Asian, 0.0011%; no homozygotes.

Submission:

Labcorp Genetics (formerly Invitae), Labcorp
Classification: Uncertain significance for LAMB2-related infantile-onset nephrotic syndrome; Pierson syndrome. Last evaluated: 2022-07-19. Review status: criteria provided, single submitter. Criteria: Invitae Variant Classification Sherloc (09022015). Collection method: clinical testing. Allele origin: germline.
Comment: Algorithms developed to predict the effect of missense changes on protein structure and function output the following: SIFT: "Deleterious"; PolyPhen-2: "Benign"; Align-GVGD: "Class C15". The serine amino acid residue is found in multiple mammalian species, which suggests that this missense change does not adversely affect protein function. ClinVar contains an entry for this variant (Variation ID: 1498275). This variant has not been reported in the literature in individuals affected with LAMB2-related conditions. This variant is present in population databases (rs372463037, gnomAD 0.02%). This sequence change replaces asparagine, which is neutral and polar, with serine, which is neutral and polar, at codon 1380 of the LAMB2 protein (p.Asn1380Ser). In summary, the available evidence is currently insufficient to determine the role of this variant in disease. Therefore, it has been classified as a Variant of Uncertain Significance.